The following is an entry in ClinVar:

NM_001172509.2(SATB2):c.1398G>A (p.Ser466=)

Gene: SATB2 (SATB homeobox 2; minus strand). Cytogenetic location: 2q33.1.
Variant type: single nucleotide variant.
Coding change: c.1398G>A on transcript NM_001172509.2 (MANE Select); coding-DNA position 1398, G replaced by A.
Protein change: p.Ser466=; no amino-acid change (serine 466 retained).
Molecular consequence: synonymous variant.
Genome position (GRCh38, 1-based): chr2:199,323,947, C>T on the plus strand (G>A on the coding strand, the complement: SATB2 is on the minus strand). VCF-style: chr2-199323947-C-T. GRCh37 (hg19) VCF-style: chr2-200188670-C-T.
Other names: c.1398G>A, p.Ser466= (NM_001172517.1, NM_015265.4).
Identifiers: ClinVar variation 1530708 (VCV001530708.32), dbSNP rs377059710, ClinGen allele CA64249181.

ClinVar aggregate classification (germline): Likely benign. Review status: criteria provided, multiple submitters, no conflicts (2 of 4 stars). 3 submissions from 3 submitters: Likely benign (3). Last evaluated 2026-01-28.

Conditions:
Chromosome 2q32-q33 deletion syndrome (GLASS). Also called: Glass syndrome; 2q33.1 deletion syndrome. Identifiers: Orphanet 251019, MedGen C2676739, MONDO:0012864, OMIM 612313.

Allele frequency attached by ClinVar (database versions not stated): gnomAD exomes below 0.00001 and 0.00001; gnomAD 0.00003; ESP Exome Variant Server 0.00008.
gnomAD v4.1: 21 of 1,613,016 alleles (0.0013%); highest among the groups gnomAD compares: Non-Finnish European, 0.0018%; no homozygotes.

Submissions (3):

Labcorp Genetics (formerly Invitae), Labcorp
Classification: Likely benign for Chromosome 2q32-q33 deletion syndrome. Last evaluated: 2026-01-28. Review status: criteria provided, single submitter. Criteria: Invitae Variant Classification Sherloc (09022015). Collection method: clinical testing. Allele origin: germline.

Blueprint Genetics
Classification: Likely benign. Last evaluated: 2024-04-04. Review status: criteria provided, single submitter. Criteria: ACMG Guidelines, 2015. Collection method: clinical testing. Allele origin: germline.

CeGaT Center for Human Genetics Tuebingen
Classification: Likely benign. Last evaluated: 2023-11-01. Review status: criteria provided, single submitter. Criteria: CeGaT Center For Human Genetics Tuebingen Variant Classification Criteria Version 2. Collection method: clinical testing. Allele origin: germline. Affected: yes. Observed: 1 variant allele.
Comment: SATB2: BP4